The following is an entry in ClinVar:

NM_001845.6(COL4A1):c.4442G>A (p.Arg1481Gln)

Gene: COL4A1 (collagen type IV alpha 1 chain; minus strand). Cytogenetic location: 13q34.
Variant type: single nucleotide variant.
Coding change: c.4442G>A on transcript NM_001845.6 (MANE Select); coding-DNA position 4442, G replaced by A.
Protein change: p.Arg1481Gln; replaces arginine 1481 with glutamine.
Molecular consequence: missense variant.
Genome position (GRCh38, 1-based): chr13:110,162,250, C>T on the plus strand (G>A on the coding strand, the complement: COL4A1 is on the minus strand). VCF-style: chr13-110162250-C-T. GRCh37 (hg19) VCF-style: chr13-110814597-C-T.
Other names: short protein forms R1481Q.
Identifiers: ClinVar variation 311022 (VCV000311022.45), dbSNP rs376607450, ClinGen allele CA7046939.

ClinVar aggregate classification (germline): Conflicting classifications of pathogenicity. Review status: criteria provided, conflicting classifications (1 of 4 stars). 5 submissions from 4 submitters: Uncertain significance (3); Likely benign (2). Last evaluated 2026-01-06.

Conditions:
Brain small vessel disease 1 with or without ocular anomalies (BSVD1). Also called: BRAIN SMALL VESSEL DISEASE WITH HEMORRHAGE; PORENCEPHALY, TYPE 1, AUTOSOMAL DOMINANT; GOULD SYNDROME 1; Brain small vessel disease with or without ocular anomalies. Identifiers: Orphanet 2940, Orphanet 36383, Orphanet 99810, MedGen C4755307, MONDO:0008289, OMIM 175780.
Autosomal dominant familial hematuria-retinal arteriolar tortuosity-contractures syndrome. Also called: Hereditary Angiopathy with Nephropathy, Aneurysms, and Muscle Cramps (HANAC) Syndrome; Angiopathy, hereditary, with nephropathy, aneurysms, and muscle cramps. Identifiers: Orphanet 73229, MedGen C2673195, MONDO:0012726, OMIM 611773.

Allele frequency attached by ClinVar (database versions not stated): gnomAD exomes 0.00004 and 0.00005; TOPMed 0.00004; ExAC 0.00005; gnomAD 0.00007; ESP Exome Variant Server 0.00008.
gnomAD v4.1: 75 of 1,614,088 alleles (0.0046%); highest among the groups gnomAD compares: African/African-American, 0.0053%; no homozygotes.

Submissions (5):

Labcorp Genetics (formerly Invitae), Labcorp
Classification: Uncertain significance. Last evaluated: 2026-01-06. Review status: criteria provided, single submitter. Criteria: Invitae Variant Classification Sherloc (09022015). Collection method: clinical testing. Allele origin: germline.
Comment: This sequence change replaces arginine, which is basic and polar, with glutamine, which is neutral and polar, at codon 1481 of the COL4A1 protein (p.Arg1481Gln). This variant is present in population databases (rs376607450, gnomAD 0.03%). This variant has not been reported in the literature in individuals affected with COL4A1-related conditions. ClinVar contains an entry for this variant (Variation ID: 311022). Invitae Evidence Modeling of protein sequence and biophysical properties (such as structural, functional, and spatial information, amino acid conservation, physicochemical variation, residue mobility, and thermodynamic stability) indicates that this missense variant is not expected to disrupt COL4A1 protein function with a negative predictive value of 95%. In summary, the available evidence is currently insufficient to determine the role of this variant in disease. Therefore, it has been classified as a Variant of Uncertain Significance.

GeneDx
Classification: Uncertain significance. Last evaluated: 2023-01-31. Review status: criteria provided, single submitter. Criteria: GeneDx Variant Classification Process June 2021. Collection method: clinical testing. Allele origin: germline. Affected: yes.
Comment: Has not been previously published as pathogenic or benign in association with a COL4A1-related disorder to our knowledge; In silico analysis supports that this missense variant has a deleterious effect on protein structure/function; This variant is associated with the following publications: (PMID: 32948195)

CeGaT Center for Human Genetics Tuebingen
Classification: Uncertain significance. Last evaluated: 2021-07-01. Review status: criteria provided, single submitter. Criteria: CeGaT Center For Human Genetics Tuebingen Variant Classification Criteria Version 2. Collection method: clinical testing. Allele origin: germline. Affected: yes. Observed: 1 variant allele.

Illumina Laboratory Services, Illumina
Classification: Likely benign for Brain small vessel disease 1 with or without ocular anomalies. Last evaluated: 2018-01-12. Review status: criteria provided, single submitter. Criteria: ICSL Variant Classification Criteria 13 December 2019. Collection method: clinical testing. Allele origin: germline.
Comment: This variant was observed in the ICSL laboratory as part of a predisposition screen in an ostensibly healthy population. It had not been previously curated by ICSL or reported in the Human Gene Mutation Database (HGMD: prior to June 1st, 2018), and was therefore a candidate for classification through an automated scoring system. Utilizing variant allele frequency, disease prevalence and penetrance estimates, and inheritance mode, an automated score was calculated to assess if this variant is too frequent to cause the disease. Based on the score and internal cut-off values, a variant classified as likely benign is not then subjected to further curation. The score for this variant resulted in a classification of likely benign for this disease.

Illumina Laboratory Services, Illumina
Classification: Likely benign for Autosomal dominant familial hematuria-retinal arteriolar tortuosity-contractures syndrome. Last evaluated: 2018-01-12. Review status: criteria provided, single submitter. Criteria: ICSL Variant Classification Criteria 13 December 2019. Collection method: clinical testing. Allele origin: germline.
Comment: the same text as in the submission from Illumina Laboratory Services, Illumina above.